The following is an entry in ClinVar:

NM_001151.4(SLC25A4):c.390del (p.Phe130fs)

Gene: SLC25A4 (solute carrier family 25 member 4; plus strand). Cytogenetic location: 4q35.1.
Variant type: Deletion.
Coding change: c.390del on transcript NM_001151.4 (MANE Select); coding-DNA position 390, one base deleted (T; older notation c.390delT).
Protein change: p.Phe130fs; shifts the reading frame from phenylalanine 130.
Molecular consequence: frameshift variant.
Genome position (GRCh38, 1-based): chr4:185,145,042, T deleted; the last of 3 consecutive T bases (chr4:185,145,040-185,145,042); deleting any one gives the same sequence. VCF-style (leftmost placement, unchanged base first): chr4-185145039-CT-C. GRCh37 (hg19) VCF-style: chr4-186066193-CT-C.
Other names: short protein forms F130fs.
Identifiers: ClinVar variation 3340703 (VCV003340703.2).
Genomic context (GRCh38, chr4:185,145,039, plus strand): 5'-CTGGCGCTACTTTGCTGGTAACCTGGCGTCCGGTGGGGCCGCTGGGGCCACCTCCCTTTG[CT>C]TTGTCTACCCGCTGGACTTTGCTAGGACCAGGTTGGCTGCTGATGTGGGCAAGGGCGCCG-3'

ClinVar aggregate classification (germline): Pathogenic/Likely pathogenic. Review status: criteria provided, multiple submitters, no conflicts (2 of 4 stars). 2 submissions from 2 submitters: Pathogenic (1); Likely pathogenic (1). Last evaluated 2024-03-14.

Conditions:
Mitochondrial DNA depletion syndrome 12B (cardiomyopathic type), autosomal recessive. Also called: Mitochondrial DNA depletion syndrome 12B (cardiomyopathic type) AR. Identifiers: Orphanet 1369, MedGen C3809443, MONDO:0014175, OMIM 615418.

Submissions (2):

GeneDx
Classification: Pathogenic. Last evaluated: 2024-03-14. Review status: criteria provided, single submitter. Criteria: GeneDx Variant Classification Process June 2021. Collection method: clinical testing. Allele origin: germline. Affected: yes.
Comment: Frameshift variant predicted to result in protein truncation or nonsense mediated decay in a gene for which loss of function is a known mechanism of disease; Not observed at significant frequency in large population cohorts (gnomAD); This variant is associated with the following publications: (PMID: 28823815)

Service de Génétique Médicale, Centre Hospitalier Universitaire de Nice-Université Côte d'Azur
Classification: Likely pathogenic for Mitochondrial DNA depletion syndrome 12B (cardiomyopathic type), autosomal recessive. Last evaluated: 2024-02-27. Review status: criteria provided, single submitter. Criteria: ACMG Guidelines, 2015. Collection method: clinical testing. Allele origin: germline. Affected: yes.

Literature cited by the submitters: PubMed 38703036 (cited by Service de Génétique Médicale, Centre Hospitalier Universitaire de Nice-Université Côte d'Azur).